The following is an entry in ClinVar:

NM_001044.5(SLC6A3):c.40G>A (p.Val14Met)

Gene: SLC6A3 (solute carrier family 6 member 3). Cytogenetic location: 5p15.33.
Variant type: single nucleotide variant.
Coding change: c.40G>A on transcript NM_001044.5 (MANE Select); coding-DNA position 40, G replaced by A.
Protein change: p.Val14Met; replaces valine 14 with methionine.
Molecular consequence: missense variant.
Genome position (GRCh38, 1-based): chr5:1,443,158, C>T on the plus strand (G>A on the coding strand, the complement: SLC6A3 is on the minus strand). VCF-style: chr5-1443158-C-T. GRCh37 (hg19) VCF-style: chr5-1443273-C-T.
Other names: short protein forms V14M.
Identifiers: ClinVar variation 1414122 (VCV001414122.7), dbSNP rs190367530, ClinGen allele CA3186500.
Genomic context (GRCh38, chr5:1,443,158, plus strand): 5'-CAAGGATGAGCTCCACCTCCTTCGGGCCCACGGCATTGGGCTCCTTAGCCGGGGCCACCA[C>T]GGAAGACATGAGTCCCACGGAGCATTTGCTCTTACTCATGGGCACACTGGGAGTTGAGGA-3'
Protein context (NP_001035.1, residues 4-24): SKCSVGLMSS[Val14Met]VAPAKEPNAV

ClinVar aggregate classification (germline): Uncertain significance (1 of 4 stars; one submission).

Conditions:
Parkinsonism-dystonia, infantile. Identifiers: Orphanet 238455, MedGen C2751067, MONDO:0013150.

Allele frequency attached by ClinVar (database versions not stated): gnomAD 0.00001 and 0.00002; TOPMed 0.00001; gnomAD exomes 0.00004; ExAC 0.00007; 1000 Genomes Project 0.00020; 1000 Genomes Project 30x 0.00031.
gnomAD v4.1: 22 of 1,614,234 alleles (0.0014%); highest among the groups gnomAD compares: Admixed American, 0.0083%; no homozygotes.

Submission:

Labcorp Genetics (formerly Invitae), Labcorp
Classification: Uncertain significance for Parkinsonism-dystonia, infantile. Last evaluated: 2023-10-13. Review status: criteria provided, single submitter. Criteria: Invitae Variant Classification Sherloc (09022015). Collection method: clinical testing. Allele origin: germline.
Comment: This sequence change replaces valine, which is neutral and non-polar, with methionine, which is neutral and non-polar, at codon 14 of the SLC6A3 protein (p.Val14Met). This variant is present in population databases (rs190367530, gnomAD 0.02%). This variant has not been reported in the literature in individuals affected with SLC6A3-related conditions. ClinVar contains an entry for this variant (Variation ID: 1414122). Algorithms developed to predict the effect of missense changes on protein structure and function output the following: SIFT: "Not Available"; PolyPhen-2: "Benign"; Align-GVGD: "Not Available". The methionine amino acid residue is found in multiple mammalian species, which suggests that this missense change does not adversely affect protein function. In summary, the available evidence is currently insufficient to determine the role of this variant in disease. Therefore, it has been classified as a Variant of Uncertain Significance.